The following is an entry in ClinVar:

NM_007294.4(BRCA1):c.1630C>T (p.Gln544Ter)

Gene: BRCA1 (BRCA1 DNA repair associated; minus strand). Cytogenetic location: 17q21.31.
Variant type: single nucleotide variant.
Coding change: c.1630C>T on transcript NM_007294.4 (MANE Select); coding-DNA position 1630, C replaced by T.
Protein change: p.Gln544Ter; replaces glutamine 544 with a stop codon.
Molecular consequence: nonsense. On other transcripts: intron variant (137).
Genome position (GRCh38, 1-based): chr17:43,093,901, G>A on the plus strand (C>T on the coding strand, the complement: BRCA1 is on the minus strand). VCF-style: chr17-43093901-G-A. GRCh37 (hg19) VCF-style: chr17-41245918-G-A.
Other names: c.1417C>T, p.Gln473Ter (NM_001407895.1, NM_001407896.1, NM_001407897.1 and 9 more transcripts); c.1420C>T, p.Gln474Ter (NM_001407900.1, NM_001407902.1, NM_001407904.1 and 13 more transcripts); c.1507C>T, p.Gln503Ter (NM_001407919.1, NM_001407937.1, NM_001407938.1 and 19 more transcripts); c.1366C>T, p.Gln456Ter (NM_001407920.1, NM_001407921.1, NM_001407922.1 and 9 more transcripts); c.1363C>T, p.Gln455Ter (NM_001407930.1, NM_001407931.1, NM_001407932.1 and 2 more transcripts); c.1504C>T, p.Gln502Ter (NM_001407940.1, NM_001407941.1, NM_001407649.1 and 11 more transcripts); c.1489C>T, p.Gln497Ter (NM_001407942.1, NM_001407944.1, NM_001407945.1 and 29 more transcripts); c.1486C>T, p.Gln496Ter (NM_001407943.1, NM_001407964.1, NM_001407740.1 and 20 more transcripts); and 40 more; short protein forms Q544*, Q497*, Q376*, Q417*, Q473*, Q477*, Q496*, Q541*.
Identifiers: ClinVar variation 54313 (VCV000054313.20), dbSNP rs80356952, ClinGen allele CA001081.

ClinVar aggregate classification (germline): Pathogenic. Review status: reviewed by expert panel (3 of 4 stars). 9 submissions from 9 submitters: Pathogenic (1). 8 of the submissions do not count toward it. Last evaluated 2016-09-08.

Conditions:
Hereditary cancer-predisposing syndrome. Also called: Tumor predisposition; Neoplastic Syndromes, Hereditary; Hereditary Cancer Syndrome; Hereditary neoplastic syndrome. Identifiers: Orphanet 140162, MedGen C0027672, MeSH D009386, MONDO:0015356.
Hereditary breast ovarian cancer syndrome. Also called: Hereditary breast and ovarian cancer syndrome (HBOC); Hereditary breast and ovarian cancer syndrome; Hereditary breast and ovarian cancer; Hereditary breast and/or ovarian cancer syndrome; Breast and ovarian cancer; BRCA1- and BRCA2-Associated Hereditary Breast and Ovarian Cancer. Identifiers: Orphanet 145, MedGen C0677776, MeSH D061325, MONDO:0003582. Disease mechanism: loss of function.
Breast-ovarian cancer, familial, susceptibility to, 1 (BROVCA1). Also called: OVARIAN CANCER, SUSCEPTIBILITY TO; BRCA1 Hereditary Breast and Ovarian Cancer. Identifiers: Orphanet 145, MedGen C2676676, MONDO:0011450, OMIM 604370. Disease mechanism: loss of function.

Submissions (9):

Evidence-based Network for the Interpretation of Germline Mutant Alleles (ENIGMA)
Classification: Pathogenic for Breast-ovarian cancer, familial, susceptibility to, 1. Last evaluated: 2016-09-08. Review status: reviewed by expert panel. Criteria: ENIGMA BRCA1/2 Classification Criteria (2015). Collection method: curation. Allele origin: germline.
Comment: Variant allele predicted to encode a truncated non-functional protein.

Clinical Genetics Laboratory, Skane University Hospital Lund
Classification: Pathogenic. Last evaluated: 2023-07-05. Review status: criteria provided, single submitter. Criteria: ACMG Guidelines, 2015. Collection method: clinical testing. Allele origin: germline. Affected: yes. Not counted in ClinVar's aggregate classification.

Labcorp Genetics (formerly Invitae), Labcorp
Classification: Pathogenic for Hereditary breast ovarian cancer syndrome. Last evaluated: 2021-09-16. Review status: criteria provided, single submitter. Criteria: Invitae Variant Classification Sherloc (09022015). Collection method: clinical testing. Allele origin: germline. Not counted in ClinVar's aggregate classification.
Comment: For these reasons, this variant has been classified as Pathogenic. ClinVar contains an entry for this variant (Variation ID: 54313). This premature translational stop signal has been observed in individual(s) with a personal and/or family history of breast and ovarian cancer (PMID: 21913181, 22762150, 29020732, 29446198). This variant is not present in population databases (ExAC no frequency). This sequence change creates a premature translational stop signal (p.Gln544*) in the BRCA1 gene. It is expected to result in an absent or disrupted protein product. Loss-of-function variants in BRCA1 are known to be pathogenic (PMID: 20104584).

Color Diagnostics, LLC DBA Color Health
Classification: Pathogenic for Hereditary cancer-predisposing syndrome. Last evaluated: 2021-04-27. Review status: criteria provided, single submitter. Criteria: ACMG Guidelines, 2015. Collection method: clinical testing. Allele origin: germline. Not counted in ClinVar's aggregate classification.
Comment: This variant changes 1 nucleotide in exon 10 of the BRCA1 gene, creating a premature translation stop signal. This variant is expected to result in an absent or non-functional protein product. To our knowledge, functional studies have not been reported for this variant. This variant has been detected in individuals affected with breast and ovarian cancer (PMID: 21913181; BIC accession number 4088; Color internal data). This variant has not been identified in the general population by the Genome Aggregation Database (gnomAD). Loss of BRCA1 function is a known mechanism of disease. Based on the available evidence, this variant is classified as Pathogenic.

Ambry Genetics
Classification: Pathogenic for Hereditary cancer-predisposing syndrome. Last evaluated: 2019-07-02. Review status: criteria provided, single submitter. Criteria: Ambry Variant Classification Scheme 2023. Collection method: clinical testing. Allele origin: germline. Not counted in ClinVar's aggregate classification.
Comment: The p.Q544* pathogenic mutation (also known as c.1630C>T), located in coding exon 9 of the BRCA1 gene, results from a C to T substitution at nucleotide position 1630. This changes the amino acid from a glutamine to a stop codon within coding exon 9. This alteration was seen in an ovarian cancer patient who also had a mutation in RAD51D (Eoh KJ et al. Cancer Res Treat, 2018 Jul;50:917-925). In addition to the clinical data presented in the literature, this alteration is expected to result in loss of function by premature protein truncation or nonsense-mediated mRNA decay. As such, this alteration is interpreted as a disease-causing mutation.

Consortium of Investigators of Modifiers of BRCA1/2 (CIMBA), c/o University of Cambridge
Classification: Pathogenic for Breast-ovarian cancer, familial, susceptibility to, 1. Last evaluated: 2015-10-02. Review status: criteria provided, single submitter. Criteria: CIMBA Mutation Classification guidelines May 2016. Collection method: clinical testing. Allele origin: germline. Not counted in ClinVar's aggregate classification.

Quest Diagnostics Nichols Institute San Juan Capistrano
Classification: Pathogenic for Breast-ovarian cancer, familial, susceptibility to, 1. Last evaluated: 2015-04-16. Review status: criteria provided, single submitter. Criteria: Quest Diagnostics criteria. Collection method: clinical testing. Allele origin: germline. Inheritance: Autosomal dominant inheritance. Not counted in ClinVar's aggregate classification.

Research Molecular Genetics Laboratory, Women's College Hospital, University of Toronto
Classification: Pathogenic for Hereditary breast ovarian cancer syndrome. Last evaluated: 2014-01-31. Review status: no assertion criteria provided. Collection method: research. Allele origin: germline. Affected: yes. Study: The Canadian Open Genetics Repository (COGR). Not counted in ClinVar's aggregate classification.

Breast Cancer Information Core (BIC) (BRCA1)
Classification: Pathogenic for Breast-ovarian cancer, familial 1. Last evaluated: 1999-06-22. Review status: no assertion criteria provided. Collection method: clinical testing. Allele origin: germline. Affected: yes. Observed: 1 variant allele. Not counted in ClinVar's aggregate classification.

Literature cited by the submitters: PubMed 21913181 (cited by Labcorp Genetics (formerly Invitae), Labcorp and Quest Diagnostics Nichols Institute San Juan Capistrano); PubMed 22762150 (cited by Labcorp Genetics (formerly Invitae), Labcorp); PubMed 29020732 (cited by Labcorp Genetics (formerly Invitae), Labcorp and Ambry Genetics); PubMed 29446198 (cited by Labcorp Genetics (formerly Invitae), Labcorp); PubMed 20104584 (cited by Labcorp Genetics (formerly Invitae), Labcorp); PubMed 16267036 (cited by Quest Diagnostics Nichols Institute San Juan Capistrano); PubMed 26295337 (cited by Quest Diagnostics Nichols Institute San Juan Capistrano).